The following is an entry in ClinVar:

ClinVar aggregate classification (germline): Likely benign (1 of 4 stars; one submission).

Allele frequency attached by ClinVar (database versions not stated): gnomAD 0.00001; gnomAD exomes 0.00003; TOPMed 0.00003; ExAC 0.00007.
gnomAD v4.1: 46 of 1,610,832 alleles (0.0029%); highest among the groups gnomAD compares: Non-Finnish European, 0.0038%; no homozygotes.

Submission:

CeGaT Center for Human Genetics Tuebingen
Classification: Likely benign. Last evaluated: 2023-08-01. Review status: criteria provided, single submitter. Criteria: CeGaT Center For Human Genetics Tuebingen Variant Classification Criteria Version 2. Collection method: clinical testing. Allele origin: germline. Affected: yes. Observed: 1 variant allele.
Comment: LIMK1: BP4, BP7

NM_002314.4(LIMK1):c.384G>A (p.Glu128=)

Gene: LIMK1 (LIM domain kinase 1; plus strand). Cytogenetic location: 7q11.23.
Variant type: single nucleotide variant.
Coding change: c.384G>A on transcript NM_002314.4 (MANE Select); coding-DNA position 384, G replaced by A.
Protein change: p.Glu128=; no amino-acid change (glutamic acid 128 retained).
Molecular consequence: synonymous variant.
Genome position (GRCh38, 1-based): chr7:74,097,172, G>A. VCF-style: chr7-74097172-G-A. GRCh37 (hg19) VCF-style: chr7-73511502-G-A.
Other names: c.282G>A, p.Glu94= (NM_001204426.2).
Identifiers: ClinVar variation 2657583 (VCV002657583.24), dbSNP rs781897912, ClinGen allele CA4293579.
Genomic context (GRCh38, chr7:74,097,172, plus strand): 5'-TTTCATCTGCCTCACGTGTGGGACCTTTATCGGTGACGGGGACACCTACACGCTGGTGGA[G>A]CACTCCAAGCTGTACTGGTGAGTGCCTTGGCCCCTCCCTGAGCCTAGGAGGCCCACCTGT-3'
Protein context (NP_002305.1, residues 118-138): IGDGDTYTLV[Glu128=]HSKLYCGHCY